The following is an entry in ClinVar:

ClinVar aggregate classification (germline): Uncertain significance (1 of 4 stars; one submission).

Conditions:
Early-infantile DEE. Also called: Early infantile epileptic encephalopathy; Ohtahara syndrome; Early infantile epileptic encephalopathy with suppression bursts. Identifiers: Orphanet 1934, MedGen C0393706, MONDO:0800491.

Submission:

Labcorp Genetics (formerly Invitae), Labcorp
Classification: Uncertain significance for Early-infantile DEE. Last evaluated: 2024-08-02. Review status: criteria provided, single submitter. Criteria: Invitae Variant Classification Sherloc (09022015). Collection method: clinical testing. Allele origin: germline.
Comment: This sequence change replaces glutamic acid, which is acidic and polar, with lysine, which is basic and polar, at codon 1815 of the SPTAN1 protein (p.Glu1815Lys). This variant is not present in population databases (gnomAD no frequency). This variant has not been reported in the literature in individuals affected with SPTAN1-related conditions. Advanced modeling of protein sequence and biophysical properties (such as structural, functional, and spatial information, amino acid conservation, physicochemical variation, residue mobility, and thermodynamic stability) has been performed at Invitae for this missense variant, however the output from this modeling did not meet the statistical confidence thresholds required to predict the impact of this variant on SPTAN1 protein function. In summary, the available evidence is currently insufficient to determine the role of this variant in disease. Therefore, it has been classified as a Variant of Uncertain Significance.

NM_001130438.3(SPTAN1):c.5443G>A (p.Glu1815Lys)

Gene: SPTAN1 (spectrin alpha, non-erythrocytic 1; plus strand). Cytogenetic location: 9q34.11.
Variant type: single nucleotide variant.
Coding change: c.5443G>A on transcript NM_001130438.3 (MANE Select); coding-DNA position 5443, G replaced by A.
Protein change: p.Glu1815Lys; replaces glutamic acid 1815 with lysine.
Molecular consequence: missense variant.
Genome position (GRCh38, 1-based): chr9:128,617,725, G>A. VCF-style: chr9-128617725-G-A. GRCh37 (hg19) VCF-style: chr9-131380004-G-A.
Other names: c.5368G>A, p.Glu1790Lys (NM_001195532.2); c.5443G>A, p.Glu1815Lys (NM_001363759.2, NM_001375310.1, NM_001375311.2 and 1 more transcripts); c.5383G>A, p.Glu1795Lys (NM_001363765.2, NM_001375314.2); c.5479G>A, p.Glu1827Lys (NM_001375312.2, NM_001375318.1); c.5428G>A, p.Glu1810Lys (NM_003127.4); short protein forms E1815K, E1827K, E1790K, E1795K, E1810K.
Identifiers: ClinVar variation 3635923 (VCV003635923.2).